The following is an entry in ClinVar:

ClinVar aggregate classification (germline): Uncertain significance. Review status: criteria provided, multiple submitters, no conflicts (2 of 4 stars). 2 submissions from 2 submitters: Uncertain significance (2). Last evaluated 2022-05-04.

Conditions:
Inborn genetic diseases. Identifiers: MedGen C0950123, MeSH D030342.
Epidermolysis bullosa simplex 3, localized or generalized intermediate, with BP230 deficiency (EBS3). Also called: Epidermolysis bullosa simplex, autosomal recessive 2; Epidermolysis bullosa simplex due to BP230 deficiency. Identifiers: Orphanet 412181, MedGen C3809470, MONDO:0014180, OMIM 615425.
Hereditary sensory and autonomic neuropathy type 6. Also called: Neuropathy, hereditary sensory and autonomic, type VI; HSAN VI. Identifiers: Orphanet 314381, MedGen C3539003, MONDO:0013839, OMIM 614653.

Allele frequency attached by ClinVar (database versions not stated): ExAC 0.00002; gnomAD 0.00003; gnomAD exomes 0.00003 and 0.00004; TOPMed 0.00003; ESP Exome Variant Server 0.00008.
gnomAD v4.1: 62 of 1,613,048 alleles (0.0038%); highest among the groups gnomAD compares: Middle Eastern, 0.016%; no homozygotes.

Submissions (2):

Ambry Genetics
Classification: Uncertain significance for Inborn genetic diseases. Last evaluated: 2022-05-04. Review status: criteria provided, single submitter. Criteria: Ambry Variant Classification Scheme 2023. Collection method: clinical testing. Allele origin: germline.
Comment: The p.R4558C variant (also known as c.13672C>T), located in coding exon 75 of the DST gene, results from a C to T substitution at nucleotide position 13672. The arginine at codon 4558 is replaced by cysteine, an amino acid with highly dissimilar properties. This amino acid position is highly conserved in available vertebrate species. In addition, this alteration is predicted to be deleterious by in silico analysis. Since supporting evidence is limited at this time, the clinical significance of this alteration remains unclear.

Labcorp Genetics (formerly Invitae), Labcorp
Classification: Uncertain significance for Epidermolysis bullosa simplex 3, localized or generalized intermediate, with BP230 deficiency; Hereditary sensory and autonomic neuropathy type 6. Last evaluated: 2022-02-21. Review status: criteria provided, single submitter. Criteria: Invitae Variant Classification Sherloc (09022015). Collection method: clinical testing. Allele origin: germline.
Comment: The DST gene has multiple clinically relevant transcripts. This variant occurs in alternate transcript NM_015548.4, and corresponds to NM_001723.5:c.*117596C>T in the primary transcript. This sequence change replaces arginine, which is basic and polar, with cysteine, which is neutral and slightly polar, at codon 4054 of the DST protein (p.Arg4054Cys). This variant is present in population databases (rs367862312, gnomAD 0.01%). This variant has not been reported in the literature in individuals affected with DST-related conditions. ClinVar contains an entry for this variant (Variation ID: 970485). Experimental studies and prediction algorithms are not available or were not evaluated, and the functional significance of this variant is currently unknown. In summary, the available evidence is currently insufficient to determine the role of this variant in disease. Therefore, it has been classified as a Variant of Uncertain Significance.

NM_001374736.1(DST):c.20029C>T (p.Arg6677Cys)

Gene: DST (dystonin; minus strand). Cytogenetic location: 6p12.1.
Variant type: single nucleotide variant.
Coding change: c.20029C>T on transcript NM_001374736.1 (MANE Select); coding-DNA position 20029, C replaced by T.
Protein change: p.Arg6677Cys; replaces arginine 6677 with cysteine.
Molecular consequence: missense variant.
Genome position (GRCh38, 1-based): chr6:56,497,921, G>A on the plus strand (C>T on the coding strand, the complement: DST is on the minus strand). VCF-style: chr6-56497921-G-A. GRCh37 (hg19) VCF-style: chr6-56362719-G-A.
Other names: c.13672C>T, p.Arg4558Cys (NM_001144769.5); c.13258C>T, p.Arg4420Cys (NM_001144770.2); c.20029C>T, p.Arg6677Cys (NM_001374722.1); c.19069C>T, p.Arg6357Cys (NM_001374729.1); c.12811C>T, p.Arg4271Cys (NM_001374730.1); c.20056C>T, p.Arg6686Cys (NM_001374734.1); c.12160C>T, p.Arg4054Cys (NM_015548.5); c.13138C>T, p.Arg4380Cys (NM_183380.4); short protein forms R4271C, R4420C, R6677C, R4380C, R4558C, R6686C, R4054C, R6357C.
Identifiers: ClinVar variation 970485 (VCV000970485.7), dbSNP rs367862312, ClinGen allele CA3866857.